The following is an entry in ClinVar:

NC_000004.12:g.107989882del

Genes: HADH (hydroxyacyl-CoA dehydrogenase; plus strand), LOC129992931 (ATAC-STARR-seq lymphoblastoid silent region 15614; plus strand). Cytogenetic location: 4q25.
Variant type: Deletion.
Genome position: GRCh38 VCF-style: chr4-107989881-TC-T. GRCh37 (hg19) VCF-style: chr4-108911037-TC-T.
Identifiers: ClinVar variation 347128 (VCV000347128.10), dbSNP rs574132278, ClinGen allele CA3037287.
Genomic context (GRCh38, chr4:107,989,881, plus strand): 5'-CGGGCTGCAGGGCCGCGTAGGTCCCCGCCCCCAGAGTCTGGCTTTCCGCGGCTGCCCGCC[TC>T]GCGCGTCTTCCCTGCCCGGGTCTCCTCGCTGTCGCCGCCGCTGCCACACCATGGCCTTCG-3'

ClinVar aggregate classification (germline): Uncertain significance/Uncertain risk allele. Review status: criteria provided, multiple submitters, no conflicts (2 of 4 stars). 3 submissions from 3 submitters: Uncertain significance (2); Uncertain risk allele (1). Last evaluated 2022-05-04.

Conditions:
Hyperinsulinemic hypoglycemia. Also called: Hyperinsulinemia hypoglycemia; Hyperinsulinemic hypoglycemia (disease). Identifiers: Orphanet 443095, MedGen C1864903, MONDO:0005803, HP:0000825.

Allele frequency attached by ClinVar (database versions not stated): 1000 Genomes Project 0.00040; gnomAD exomes 0.00049 and 0.00077; TOPMed 0.00071; ESP Exome Variant Server 0.00072; gnomAD 0.00074 and 0.00078; 1000 Genomes Project 30x 0.00094; ExAC 0.00097.

Submissions (3):

Mendelics
Classification: Uncertain significance. Last evaluated: 2022-05-04. Review status: criteria provided, single submitter. Criteria: Mendelics Assertion Criteria 2019. Collection method: clinical testing. Allele origin: germline.

Breakthrough Genomics
Classification: Uncertain significance. Review status: criteria provided, single submitter. Criteria: ACMG Guidelines, 2015. Collection method: not provided. Allele origin: germline. Inheritance: Autosomal recessive inheritance. Affected: yes.

Clinical Genomics, Uppaluri K&H Personalized Medicine Clinic
Classification: Uncertain risk allele for Hyperinsulinemic hypoglycemia. Review status: criteria provided, single submitter. Criteria: K & H Uppaluri Personalized Medicine Clinic Variant Classification & Assertion Criteria_Updated V.1. Collection method: research. Allele origin: unknown. Inheritance: Autosomal recessive inheritance.
Comment: Potent mutations in HADH gene are associated with congenital hyperinsulinism, which leads to recurrent hypoglycemia. The condition is exacerbated by stress, fasting or excessive dietary protein. May respond well to diazoxide. However, the role of this particular variant rs574132278 in congenital hyperinsulinism is yet to be ascertained.

Literature cited by the submitters: PubMed 34547194 (cited by Clinical Genomics, Uppaluri K&H Personalized Medicine Clinic); PubMed 34055426 (cited by Clinical Genomics, Uppaluri K&H Personalized Medicine Clinic); PubMed 29280746 (cited by Clinical Genomics, Uppaluri K&H Personalized Medicine Clinic).